The following is an entry in ClinVar:

NM_001174089.2(SLC4A11):c.1816del (p.Leu606fs)

Gene: SLC4A11 (solute carrier family 4 member 11; minus strand). Cytogenetic location: 20p13.
Variant type: Deletion.
Coding change: c.1816del on transcript NM_001174089.2 (MANE Select); coding-DNA position 1816, one base deleted (C; older notation c.1816delC).
Protein change: p.Leu606fs; shifts the reading frame from leucine 606.
Molecular consequence: frameshift variant. On other transcripts: non-coding transcript variant (3).
Genome position (GRCh38, 1-based): chr20:3,229,379, G deleted on the plus strand (C on the coding strand, the reverse complement: SLC4A11 is on the minus strand); the first of 3 consecutive G bases (chr20:3,229,379-3,229,381); deleting any one gives the same sequence. VCF-style (leftmost placement, unchanged base first): chr20-3229378-AG-A. GRCh37 (hg19) VCF-style: chr20-3210024-AG-A.
Other names: c.1945del, p.Leu649fs (NM_001174090.2); c.1702del, p.Leu568fs (NM_001363745.2); c.1759del, p.Leu587fs (NM_001400277.1, NM_001400278.1, NM_001400279.1); c.1831del, p.Leu611fs (NM_001400280.1); c.1864del, p.Leu622fs (NM_032034.4); short protein forms L568fs, L587fs, L606fs, L611fs, L622fs, L649fs.
Identifiers: ClinVar variation 4816303 (VCV004816303.1).

ClinVar aggregate classification (germline): Likely pathogenic (1 of 4 stars; one submission).

Conditions:
Corneal dystrophy-perceptive deafness syndrome (CDPD). Also called: CORNEAL DYSTROPHY AND SENSORINEURAL DEAFNESS; HARBOYAN SYNDROME. Identifiers: Orphanet 1490, MedGen C1857572, MONDO:0009015, OMIM 217400.

Submission:

Natera, Inc.
Classification: Likely pathogenic for Corneal dystrophy-perceptive deafness syndrome. Last evaluated: 2024-07-15. Review status: criteria provided, single submitter. Criteria: Natera Variant Classification Schema (03/2026). Collection method: clinical testing. Allele origin: germline.
Comment: The c.1864del variant in SLC4A11 is a frameshift variant predicted to shift the reading frame beginning at codon 622 and leads to a stop codon 12 codons downstream. This variant is expected to result in nonsense mediated decay, truncation, or a dysfunctional protein product. This variant is rare in the general population with a frequency below the threshold expected for the associated phenotype(s). Given the available evidence, this variant is classified as Likely Pathogenic.